The following is an entry in ClinVar:

ClinVar aggregate classification (germline): Conflicting classifications of pathogenicity. Review status: criteria provided, conflicting classifications (1 of 4 stars). 2 submissions from 2 submitters: Pathogenic (1); Uncertain significance (1). Last evaluated 2023-12-06.

Conditions:
Cardiovascular phenotype. Identifiers: MedGen CN230736.
Dilated cardiomyopathy 1G (CMD1G). Identifiers: Orphanet 154, MedGen C1858763, MONDO:0011400, OMIM 604145.
Autosomal recessive limb-girdle muscular dystrophy type 2J (LGMDR10). Also called: MUSCULAR DYSTROPHY, LIMB-GIRDLE, AUTOSOMAL RECESSIVE 10; Limb-girdle muscular dystrophy, type 2J. Identifiers: Orphanet 140922, MedGen C1837342, MONDO:0012127, OMIM 608807.

Allele frequency attached by ClinVar (database versions not stated): ExAC 0.00002; gnomAD exomes 0.00001.
gnomAD v4.1: 4 of 1,613,970 alleles (0.00025%); highest among the groups gnomAD compares: Non-Finnish European, 0.00025%; no homozygotes.

Submissions (2):

Labcorp Genetics (formerly Invitae), Labcorp
Classification: Pathogenic for Dilated cardiomyopathy 1G; Autosomal recessive limb-girdle muscular dystrophy type 2J. Last evaluated: 2023-12-06. Review status: criteria provided, single submitter. Criteria: Invitae Variant Classification Sherloc (09022015). Collection method: clinical testing. Allele origin: germline.
Comment: This sequence change creates a premature translational stop signal (p.Leu35312*) in the TTN gene. While this is not anticipated to result in nonsense mediated decay, it is expected to create a truncated TTN protein. This variant is present in population databases (rs779948923, gnomAD 0.004%). This premature translational stop signal has been observed in individuals with dilated cardiomyopathy and/or limb girdle weakness (PMID: 32528171; Invitae). ClinVar contains an entry for this variant (Variation ID: 222864). This variant is located in the M band of TTN (PMID: 25589632). Truncating variants in this region have been previously reported in individuals affected with autosomal recessive myopathy and muscular dystrophy (PMID: 18948003, 23975875, 24395473). Truncating variants in this region have also been identified in individuals affected with autosomal dominant dilated cardiomyopathy and/or cardio-related conditions (PMID: 27869827, 32964742). For these reasons, this variant has been classified as Pathogenic.

Ambry Genetics
Classification: Uncertain significance for Cardiovascular phenotype. Last evaluated: 2018-10-17. Review status: criteria provided, single submitter. Criteria: Ambry Variant Classification Scheme 2023. Collection method: clinical testing. Allele origin: germline.
Comment: The p.L26247* variant (also known as c.78740T>G), located in coding exon 185 of the TTN gene, results from a T to G substitution at nucleotide position 78740. This changes the amino acid from a leucine to a stop codon within coding exon 185. This exon is located in the M-band region of the N2-B isoform of the titin protein and is constitutively expressed in TTN transcripts (percent spliced in or PSI 100%). This alteration is expected to result in loss of function by premature protein truncation or nonsense-mediated mRNA decay. Truncating variants in the A-band of titin are the most common cause of dilated cardiomyopathy (DCM), and, regardless of their position, truncating variants encoded in constitutive exons (PSI >90%) have been found to be significantly associated with DCM (Herman DS et al. N. Engl. J. Med. 2012;366:619-28; Roberts AM et al. Sci Transl Med. 2015;7:270ra6; Schafer S et al. Nat. Genet. 2017;49:46-53). However, TTN truncating variants have also been reported in 1-3% of the general population (Herman DS et al. N. Engl. J. Med. 2012;366:619-28). Since supporting evidence is limited at this time, the clinical significance of this alteration remains unclear.

Literature cited by the submitters: PubMed 32528171 (cited by Labcorp Genetics (formerly Invitae), Labcorp); PubMed 25589632 (cited by Labcorp Genetics (formerly Invitae), Labcorp); PubMed 18948003 (cited by Labcorp Genetics (formerly Invitae), Labcorp); PubMed 23975875 (cited by Labcorp Genetics (formerly Invitae), Labcorp); PubMed 24395473 (cited by Labcorp Genetics (formerly Invitae), Labcorp); PubMed 27869827 (cited by Labcorp Genetics (formerly Invitae), Labcorp); PubMed 32964742 (cited by Labcorp Genetics (formerly Invitae), Labcorp).

NM_001267550.2(TTN):c.105935T>G (p.Leu35312Ter)

Genes: TTN (titin; minus strand), TTN-AS1 (TTN antisense RNA 1; plus strand), LOC129935183 (ATAC-STARR-seq lymphoblastoid active region 16808; plus strand). Cytogenetic location: 2q31.2.
Variant type: single nucleotide variant.
Coding change: c.105935T>G on transcript NM_001267550.2 (MANE Select); coding-DNA position 105935, T replaced by G.
Protein change: p.Leu35312Ter; replaces leucine 35312 with a stop codon.
Molecular consequence: nonsense.
Genome position (GRCh38, 1-based): chr2:178,530,680, A>C on the plus strand (T>G on the coding strand, the complement: TTN is on the minus strand). VCF-style: chr2-178530680-A-C. GRCh37 (hg19) VCF-style: chr2-179395407-A-C.
Other names: c.105935T>G (LRG_391t1); c.101012T>G, p.Leu33671Ter (NM_001256850.1); c.78740T>G, p.Leu26247Ter (NM_003319.4); c.98231T>G, p.Leu32744Ter (NM_133378.4); c.79115T>G, p.Leu26372Ter (NM_133432.3); c.79316T>G, p.Leu26439Ter (NM_133437.4); short protein forms L35312*, L32744*, L33671*, L26247*, L26372*, L26439*.
Identifiers: ClinVar variation 222864 (VCV000222864.12), dbSNP rs779948923, ClinGen allele CA079946.
Genomic context (GRCh38, chr2:178,530,680, plus strand): 5'-AAATGCCCATTTTCCTTCAGTTTCTTGCCATCTTTATACCAGGTGACCTCTTTTGCCCTT[A>C]ATACACTGCTTTCAACCACACAGGTCAGTTTTGCAATCTCTTTAGAAGCTTCTGCTTTCA-3'